The following is an entry in ClinVar:

NM_003060.4(SLC22A5):c.1596_1597del (p.His532fs)

Gene: SLC22A5 (solute carrier family 22 member 5; plus strand). Cytogenetic location: 5q31.1.
Variant type: Microsatellite.
Coding change: c.1596_1597del on transcript NM_003060.4 (MANE Select); coding-DNA positions 1596 to 1597, 2 bases deleted (CA; older notation c.1596_1597delCA).
Protein change: p.His532fs; shifts the reading frame from histidine 532.
Molecular consequence: frameshift variant.
Genome position (GRCh38, 1-based): chr5:132,394,194-132,394,195, CA deleted; deleting any 2 consecutive bases within chr5:132,394,191-132,394,195 gives the same sequence; the c. name uses the placement nearest the transcript's 3' end. VCF-style (leftmost placement, unchanged base first): chr5-132394190-AAC-A. GRCh37 (hg19) VCF-style: chr5-131729882-AAC-A.
Other names: c.1668_1669del, p.His556fs (NM_001308122.2); short protein forms H532fs, H556fs.
Identifiers: ClinVar variation 1937367 (VCV001937367.3), dbSNP rs1276398847, ClinGen allele CA562773601.
Genomic context (GRCh38, chr5:132,394,190, plus strand): 5'-CTGGGAGGCATCTTTTTAAAATGTGTTACTGACATATTTTTGCTTGTTTTTATAGAATGA[AAC>A]ACAGAAAAACTCCAAGTCACACAAGGATGTTAAAAGATGGTCAAGAAAGGCCCACAATCC-3'

ClinVar aggregate classification (germline): Uncertain significance. Review status: criteria provided, multiple submitters, no conflicts (2 of 4 stars). 2 submissions from 2 submitters: Uncertain significance (2). Last evaluated 2026-03-25.

Conditions:
Renal carnitine transport defect (CDSP). Also called: Systemic primary carnitine deficiency disease; Systemic primary carnitine deficiency; CARNITINE DEFICIENCY, SYSTEMIC, DUE TO DEFECT IN RENAL REABSORPTION OF CARNITINE; CARNITINE TRANSPORTER, PLASMA-MEMBRANE, DEFICIENCY OF; CARNITINE UPTAKE DEFECT; Primary carnitine deficiency. Identifiers: Orphanet 158, MedGen C0342788, MONDO:0008919, OMIM 212140.

Submissions (2):

Myriad Genetics, Inc.
Classification: Uncertain significance for Renal carnitine transport defect. Last evaluated: 2026-03-25. Review status: criteria provided, single submitter. Criteria: Myriad Autosomal Dominant, Autosomal Recessive and X-Linked Classification Criteria (2023). Collection method: clinical testing. Allele origin: unknown.
Comment: NM_003060.3(SLC22A5):c.1596_1597delCA(H532Qfs*21) is a frameshift variant classified as a variant of uncertain significance in the context of primary carnitine deficiency. H532Qfs*21 has not been observed in cases with relevant disease. Relevant functional assessments of this variant are not available in the literature. H532Qfs*21 has been observed in referenced population frequency databases. In summary, there is insufficient evidence to classify NM_003060.3(SLC22A5):c.1596_1597delCA(H532Qfs*21) as pathogenic or benign. Please note: this variant was assessed in the context of healthy population screening.

Labcorp Genetics (formerly Invitae), Labcorp
Classification: Uncertain significance for Renal carnitine transport defect. Last evaluated: 2022-01-01. Review status: criteria provided, single submitter. Criteria: Invitae Variant Classification Sherloc (09022015). Collection method: clinical testing. Allele origin: germline.
Comment: This sequence change creates a premature translational stop signal (p.His532Glnfs*21) in the SLC22A5 gene. While this is not anticipated to result in nonsense mediated decay, it is expected to disrupt the last 26 amino acid(s) of the SLC22A5 protein. This variant is present in population databases (no rsID available, gnomAD 0.004%). This variant has not been reported in the literature in individuals affected with SLC22A5-related conditions. Experimental studies and prediction algorithms are not available or were not evaluated, and the functional significance of this variant is currently unknown. In summary, the available evidence is currently insufficient to determine the role of this variant in disease. Therefore, it has been classified as a Variant of Uncertain Significance.